The following is an entry in ClinVar:

ClinVar aggregate classification (germline): Likely benign (1 of 4 stars; one submission).

Allele frequency attached by ClinVar (database versions not stated): gnomAD exomes below 0.00001; ExAC 0.00001; gnomAD 0.00001.
gnomAD v4.1: 9 of 1,611,070 alleles (0.00056%); highest among the groups gnomAD compares: South Asian, 0.0044%; no homozygotes.

Submission:

CeGaT Center for Human Genetics Tuebingen
Classification: Likely benign. Last evaluated: 2023-02-01. Review status: criteria provided, single submitter. Criteria: CeGaT Center For Human Genetics Tuebingen Variant Classification Criteria Version 2. Collection method: clinical testing. Allele origin: germline. Affected: yes. Observed: 1 variant allele.
Comment: DOCK7: BP4, BP7

NM_001367561.1(DOCK7):c.6108G>A (p.Gly2036=)

Gene: DOCK7 (dedicator of cytokinesis 7; minus strand). Cytogenetic location: 1p31.3.
Variant type: single nucleotide variant.
Coding change: c.6108G>A on transcript NM_001367561.1 (MANE Select); coding-DNA position 6108, G replaced by A.
Protein change: p.Gly2036=; no amino-acid change (glycine 2036 retained).
Molecular consequence: synonymous variant.
Genome position (GRCh38, 1-based): chr1:62,474,086, C>T on the plus strand (G>A on the coding strand, the complement: DOCK7 is on the minus strand). VCF-style: chr1-62474086-C-T. GRCh37 (hg19) VCF-style: chr1-62939757-C-T.
Other names: c.6075G>A, p.Gly2025= (NM_001271999.2); c.5988G>A, p.Gly1996= (NM_001272000.2); c.5982G>A, p.Gly1994= (NM_001272001.2); c.6081G>A, p.Gly2027= (NM_001330614.2); c.6015G>A, p.Gly2005= (NM_033407.4).
Identifiers: ClinVar variation 2638862 (VCV002638862.24), dbSNP rs771973972, ClinGen allele CA885285.
Genomic context (GRCh38, chr1:62,474,086, plus strand): 5'-TCTGAAGAGCTTTGGGTCACTAGGTATTTCAGACAGAAAAACCTGGGCAACTTCCAAAGG[C>T]CCCTGCAAAATAAGAAAATAAGAAGTGTGTTTTTTTGTTATCTCTAAAATCACAGAGACA-3'
Protein context (NP_001354490.1, residues 2026-2046): QGSVGTTVNQ[Gly2036=]PLEVAQVFLS